The following is an entry in ClinVar:

ClinVar aggregate classification (germline): Uncertain significance (1 of 4 stars; one submission).

Submission:

Labcorp Genetics (formerly Invitae), Labcorp
Classification: Uncertain significance. Last evaluated: 2024-01-29. Review status: criteria provided, single submitter. Criteria: Invitae Variant Classification Sherloc (09022015). Collection method: clinical testing. Allele origin: germline.
Comment: This sequence change creates a premature translational stop signal (p.Asn932Thrfs*32) in the NLRP1 gene. It is expected to result in an absent or disrupted protein product. However, the current clinical and genetic evidence is not sufficient to establish whether loss-of-function variants in NLRP1 cause disease. This variant is present in population databases (no rsID available, gnomAD 0.007%). This variant has not been reported in the literature in individuals affected with NLRP1-related conditions. In summary, the available evidence is currently insufficient to determine the role of this variant in disease. Therefore, it has been classified as a Variant of Uncertain Significance.

NM_033004.4(NLRP1):c.2795del (p.Asn932fs)

Gene: NLRP1 (NLR family pyrin domain containing 1; minus strand). Cytogenetic location: 17p13.2.
Variant type: Deletion.
Coding change: c.2795del on transcript NM_033004.4 (MANE Select); coding-DNA position 2795, one base deleted (A; older notation c.2795delA).
Protein change: p.Asn932fs; shifts the reading frame from asparagine 932.
Molecular consequence: frameshift variant.
Genome position (GRCh38, 1-based): chr17:5,539,490, T deleted on the plus strand (A on the coding strand, the reverse complement: NLRP1 is on the minus strand); the first of 2 consecutive T bases (chr17:5,539,490-5,539,491); deleting either gives the same sequence. VCF-style (leftmost placement, unchanged base first): chr17-5539489-GT-G. GRCh37 (hg19) VCF-style: chr17-5442809-GT-G.
Other names: c.2795del, p.Asn932fs (NM_033006.4, NM_033007.4, NM_001033053.3 and 1 more transcripts); short protein forms N932fs.
Identifiers: ClinVar variation 2714139 (VCV002714139.3), dbSNP rs1403003470, ClinGen allele CA624858968.